The following is an entry in ClinVar:

NM_001203.3(BMPR1B):c.1498A>T (p.Ile500Phe)

Gene: BMPR1B (bone morphogenetic protein receptor type 1B; plus strand). Cytogenetic location: 4q22.3.
Variant type: single nucleotide variant.
Coding change: c.1498A>T on transcript NM_001203.3 (MANE Select); coding-DNA position 1498, A replaced by T.
Protein change: p.Ile500Phe; replaces isoleucine 500 with phenylalanine.
Molecular consequence: missense variant.
Genome position (GRCh38, 1-based): chr4:95,154,662, A>T. VCF-style: chr4-95154662-A-T. GRCh37 (hg19) VCF-style: chr4-96075813-A-T.
Other names: c.1498A>T, p.Ile500Phe (NM_001256792.2, NM_001256794.1); c.1588A>T, p.Ile530Phe (NM_001256793.2); short protein forms I500F, I530F.
Identifiers: ClinVar variation 3750847 (VCV003750847.2).

ClinVar aggregate classification (germline): Uncertain significance (1 of 4 stars; one submission).

Conditions:
Acromesomelic dysplasia 3 (AMD3). Also called: CHONDRODYSPLASIA, ACROMESOMELIC, WITH OR WITHOUT GENITAL ANOMALIES; Acromesomelic dysplasia, Demirhan type. Identifiers: MedGen C4225404, MONDO:0012274, OMIM 609441.
Type A2 brachydactyly (BDA2). Also called: MOHR-WRIEDT TYPE BRACHYDACTYLY; BRACHYMESOPHALANGY II; Brachymesophalangy type 2. Identifiers: Orphanet 93396, MedGen C1832702, MONDO:0007216, OMIM 112600, HP:0009372.

Submission:

Labcorp Genetics (formerly Invitae), Labcorp
Classification: Uncertain significance for Type A2 brachydactyly; Acromesomelic dysplasia 3. Last evaluated: 2024-05-09. Review status: criteria provided, single submitter. Criteria: Invitae Variant Classification Sherloc (09022015). Collection method: clinical testing. Allele origin: germline.
Comment: This sequence change replaces isoleucine, which is neutral and non-polar, with phenylalanine, which is neutral and non-polar, at codon 500 of the BMPR1B protein (p.Ile500Phe). This variant is not present in population databases (gnomAD no frequency). This variant has not been reported in the literature in individuals affected with BMPR1B-related conditions. Advanced modeling of protein sequence and biophysical properties (such as structural, functional, and spatial information, amino acid conservation, physicochemical variation, residue mobility, and thermodynamic stability) performed at Invitae indicates that this missense variant is not expected to disrupt BMPR1B protein function with a negative predictive value of 95%. In summary, the available evidence is currently insufficient to determine the role of this variant in disease. Therefore, it has been classified as a Variant of Uncertain Significance.